The following is an entry in ClinVar:

NM_014208.3(DSPP):c.2535C>T (p.Ser845=)

Genes: DMP1-AS1 (DMP1 and DSPP antisense RNA 1; minus strand), DSPP (dentin sialophosphoprotein; plus strand). Cytogenetic location: 4q22.1.
Variant type: single nucleotide variant.
Coding change: c.2535C>T on transcript NM_014208.3 (MANE Select); coding-DNA position 2535, C replaced by T.
Protein change: p.Ser845=; no amino-acid change (serine 845 retained).
Molecular consequence: synonymous variant.
Genome position (GRCh38, 1-based): chr4:87,615,197, C>T. VCF-style: chr4-87615197-C-T. GRCh37 (hg19) VCF-style: chr4-88536349-C-T.
Identifiers: ClinVar variation 1208118 (VCV001208118.28), dbSNP rs367568852, ClinGen allele CA3001262.
Genomic context (GRCh38, chr4:87,615,197, plus strand): 5'-CAGCAGTAATAGTAGTGACAGCAGCGATAGCAGCAACAGCAGTGATAGCAGCGACAGCAG[C>T]GATAGCAGTGACGGCAGTGATAGCGACAGCAGCAATAGAAGTGACAGTAGTAATAGTAGT-3'
Protein context (NP_055023.2, residues 835-855): SSNSSDSSDS[Ser845=]DSSDGSDSDS

ClinVar aggregate classification (germline): Benign/Likely benign. Review status: criteria provided, multiple submitters, no conflicts (2 of 4 stars). 3 submissions from 3 submitters: Benign (1); Likely benign (2). Last evaluated 2023-02-01.

Allele frequency attached by ClinVar (database versions not stated): gnomAD exomes 0.00107; 1000 Genomes Project 30x 0.00547; 1000 Genomes Project 0.00559.
gnomAD v4.1: 1,915 of 1,509,284 alleles (0.13%); highest among the groups gnomAD compares: South Asian, 1.3%; 29 homozygotes.

Submissions (3):

CeGaT Center for Human Genetics Tuebingen
Classification: Benign. Last evaluated: 2023-02-01. Review status: criteria provided, single submitter. Criteria: CeGaT Center For Human Genetics Tuebingen Variant Classification Criteria Version 2. Collection method: clinical testing. Allele origin: germline. Affected: yes. Observed: 1 variant allele.
Comment: DSPP: BP4, BP7, BS1, BS2

GeneDx
Classification: Likely benign. Last evaluated: 2018-12-10. Review status: criteria provided, single submitter. Criteria: GeneDx Variant Classification Process June 2021. Collection method: clinical testing. Allele origin: germline. Affected: yes.

Breakthrough Genomics
Classification: Likely benign. Review status: criteria provided, single submitter. Criteria: ACMG Guidelines, 2015. Collection method: not provided. Allele origin: germline. Inheritance: Autosomal dominant inheritance. Affected: yes.